The following is an entry in ClinVar:

ClinVar aggregate classification (germline): Likely benign (0 of 4 stars; one submission).

Conditions:
EPS8-related disorder. Also called: EPS8-related condition.

Allele frequency attached by ClinVar (database versions not stated): gnomAD exomes 0.00003; ExAC 0.00006.
gnomAD v4.1: 44 of 1,613,622 alleles (0.0027%); highest among the groups gnomAD compares: Middle Eastern, 0.033%; no homozygotes.

Submission:

PreventionGenetics, part of Exact Sciences
Classification: Likely benign for EPS8-related condition. Last evaluated: 2020-07-17. Review status: no assertion criteria provided. Collection method: clinical testing. Allele origin: germline.
Comment: This variant is classified as likely benign based on ACMG/AMP sequence variant interpretation guidelines (Richards et al. 2015 PMID: 25741868, with internal and published modifications).

NM_004447.6(EPS8):c.630G>A (p.Pro210=)

Gene: EPS8 (EGFR pathway substrate 8, signaling adaptor; minus strand). Cytogenetic location: 12p12.3.
Variant type: single nucleotide variant.
Coding change: c.630G>A on transcript NM_004447.6 (MANE Select); coding-DNA position 630, G replaced by A.
Protein change: p.Pro210=; no amino-acid change (proline 210 retained).
Molecular consequence: synonymous variant. On other transcripts: non-coding transcript variant (2).
Genome position (GRCh38, 1-based): chr12:15,665,862, C>T on the plus strand (G>A on the coding strand, the complement: EPS8 is on the minus strand). VCF-style: chr12-15665862-C-T. GRCh37 (hg19) VCF-style: chr12-15818796-C-T.
Other names: c.630G>A, p.Pro210= (NM_001413831.1, NM_001413832.1, NM_001413833.1 and 3 more transcripts); c.390G>A, p.Pro130= (NM_001413835.1, NM_001413836.1); c.213G>A, p.Pro71= (NM_001413837.1).
Identifiers: ClinVar variation 3036470 (VCV003036470.2), dbSNP rs772776817, ClinGen allele CA6467806.